The following is an entry in ClinVar:

ClinVar aggregate classification (germline): Uncertain significance (1 of 4 stars; one submission).

Allele frequency attached by ClinVar (database versions not stated): gnomAD exomes below 0.00001.
gnomAD v4.1: 5 of 1,608,786 alleles (0.00031%); highest among the groups gnomAD compares: Non-Finnish European, 0.00042%; no homozygotes.

Submission:

GeneDx
Classification: Uncertain significance. Last evaluated: 2019-09-19. Review status: criteria provided, single submitter. Criteria: GeneDx Variant Classification Process June 2021. Collection method: clinical testing. Allele origin: germline. Affected: yes.
Comment: Not observed at a significant frequency in large population cohorts (Lek et al., 2016); In silico analysis, which includes protein predictors and evolutionary conservation, supports a deleterious effect; Has not been previously published as pathogenic or benign to our knowledge

NM_080916.3(DGUOK):c.136A>G (p.Asn46Asp)

Genes: DGUOK (deoxyguanosine kinase; plus strand), LOC129934096 (ATAC-STARR-seq lymphoblastoid active region 16036; plus strand). Cytogenetic location: 2p13.1.
Variant type: single nucleotide variant.
Coding change: c.136A>G on transcript NM_080916.3 (MANE Select); coding-DNA position 136, A replaced by G.
Protein change: p.Asn46Asp; replaces asparagine 46 with aspartic acid.
Molecular consequence: missense variant. On other transcripts: 5 prime UTR variant (4), non-coding transcript variant (6).
Genome position (GRCh38, 1-based): chr2:73,927,046, A>G. VCF-style: chr2-73927046-A-G. GRCh37 (hg19) VCF-style: chr2-74154173-A-G.
Other names: c.136A>G, p.Asn46Asp (NM_001318859.2, NM_080918.3); c.-43A>G (NM_001318860.2, NM_001318863.2); c.-129A>G (NM_001318861.2, NM_001318862.2); short protein forms N46D.
Identifiers: ClinVar variation 1312054 (VCV001312054.2), dbSNP rs1215907347, ClinGen allele CA347296806.
Genomic context (GRCh38, chr2:73,927,046, plus strand): 5'-GTTTCCTCCTCCAGAGGCCTGCACGCGGGGCGCGGGCCCCGAAGGCTCTCCATCGAAGGC[A>G]ACATTGGTAAGGGCCGGAAAGCGGCTGCCAAGCCTTGGCCTCCGCCACGCAGGCGACAGA-3'
Protein context (NP_550438.1, residues 36-56): RGPRRLSIEG[Asn46Asp]IAVGKSTFVK